The following is an entry in ClinVar:

ClinVar aggregate classification (germline): Uncertain significance. Review status: criteria provided, multiple submitters, no conflicts (2 of 4 stars). 4 submissions from 4 submitters: Uncertain significance (4). Last evaluated 2025-06-10.

Conditions:
Cardiovascular phenotype. Identifiers: MedGen CN230736.
Primary dilated cardiomyopathy (DCM). Also called: Dilated Cardiomyopathy. Identifiers: Orphanet 217604, MedGen C0007193, MeSH D002311, MONDO:0005021, HP:0001644. Inheritance: Various modes of inheritance.
Hypertrophic cardiomyopathy. Also called: HYPERTROPHIC MYOCARDIOPATHY. Identifiers: Orphanet 217569, MedGen C0007194, MeSH D002312, MONDO:0005045, HP:0001639.

Submissions (4):

Labcorp Genetics (formerly Invitae), Labcorp
Classification: Uncertain significance for Hypertrophic cardiomyopathy. Last evaluated: 2025-06-10. Review status: criteria provided, single submitter. Criteria: Invitae Variant Classification Sherloc (09022015). Collection method: clinical testing. Allele origin: germline.
Comment: This sequence change replaces arginine, which is basic and polar, with proline, which is neutral and non-polar, at codon 1271 of the MYBPC3 protein (p.Arg1271Pro). This variant is not present in population databases (gnomAD no frequency). This variant has not been reported in the literature in individuals affected with MYBPC3-related conditions. ClinVar contains an entry for this variant (Variation ID: 636623). An algorithm developed to predict the effect of missense changes on protein structure and function (PolyPhen-2) suggests that this variant is likely to be disruptive. In summary, the available evidence is currently insufficient to determine the role of this variant in disease. Therefore, it has been classified as a Variant of Uncertain Significance.

Clinical Genetics Laboratory, Skane University Hospital Lund
Classification: Uncertain significance for Primary dilated cardiomyopathy. Last evaluated: 2025-05-02. Review status: criteria provided, single submitter. Criteria: ACMG Guidelines, 2015. Collection method: clinical testing. Allele origin: germline. Affected: yes.
Comment: ACMG criteria used: PM2

Ambry Genetics
Classification: Uncertain significance for Cardiovascular phenotype. Last evaluated: 2023-05-01. Review status: criteria provided, single submitter. Criteria: Ambry Variant Classification Scheme 2023. Collection method: clinical testing. Allele origin: germline.
Comment: The p.R1271P variant (also known as c.3812G>C), located in coding exon 33 of the MYBPC3 gene, results from a G to C substitution at nucleotide position 3812. The arginine at codon 1271 is replaced by proline, an amino acid with dissimilar properties. This amino acid position is highly conserved in available vertebrate species. In addition, this alteration is predicted to be deleterious by in silico analysis. Since supporting evidence is limited at this time, the clinical significance of this alteration remains unclear.

Blueprint Genetics
Classification: Uncertain significance. Last evaluated: 2018-04-25. Review status: criteria provided, single submitter. Criteria: ACMG Guidelines, 2015. Collection method: clinical testing. Allele origin: germline.

NM_000256.3(MYBPC3):c.3812G>C (p.Arg1271Pro)

Gene: MYBPC3 (myosin binding protein C3; minus strand). Cytogenetic location: 11p11.2.
Variant type: single nucleotide variant.
Coding change: c.3812G>C on transcript NM_000256.3 (MANE Select); coding-DNA position 3812, G replaced by C.
Protein change: p.Arg1271Pro; replaces arginine 1271 with proline.
Molecular consequence: missense variant.
Genome position (GRCh38, 1-based): chr11:47,332,074, C>G on the plus strand (G>C on the coding strand, the complement: MYBPC3 is on the minus strand). VCF-style: chr11-47332074-C-G. GRCh37 (hg19) VCF-style: chr11-47353625-C-G.
Other names: c.3812G>C, p.Arg1271Pro (LRG_386t1); short protein forms R1271P.
Identifiers: ClinVar variation 636623 (VCV000636623.11), dbSNP rs762225417, ClinGen allele CA380310358.
Genomic context (GRCh38, chr11:47,332,074, plus strand): 5'-GTCCCCACTGCCGCCCGCTCTTCCCATCTCCCAGGCCCTGGCCCCGAGGGCTCCTCACCT[C>G]GCACCTCCAGGCGGCACTCACACCGTGCCTCGCCCTGTAAGTTGGTGGCCCTGCAGACAT-3'
Protein context (NP_000247.2, residues 1261-1274): EARCECRLEV[Arg1271Pro]VPQ